The following is an entry in ClinVar:

NM_003660.4(PPFIA3):c.1561G>A (p.Ala521Thr)

Gene: PPFIA3 (PPFI scaffold protein A3; plus strand). Cytogenetic location: 19q13.33.
Variant type: single nucleotide variant.
Coding change: c.1561G>A on transcript NM_003660.4 (MANE Select); coding-DNA position 1561, G replaced by A.
Protein change: p.Ala521Thr; replaces alanine 521 with threonine.
Molecular consequence: missense variant. On other transcripts: non-coding transcript variant (1).
Genome position (GRCh38, 1-based): chr19:49,135,819, G>A. VCF-style: chr19-49135819-G-A. GRCh37 (hg19) VCF-style: chr19-49639076-G-A.
Other names: short protein forms A521T.
Identifiers: ClinVar variation 3782214 (VCV003782214.3).

ClinVar aggregate classification (germline): Conflicting classifications of pathogenicity. Review status: criteria provided, conflicting classifications (1 of 4 stars). 2 submissions from 2 submitters: Uncertain significance (1); Likely benign (1). Last evaluated 2026-06-01.

Conditions:
Inborn genetic diseases. Identifiers: MedGen C0950123, MeSH D030342.

gnomAD v4.1: 18 of 1,613,596 alleles (0.0011%); highest among the groups gnomAD compares: Admixed American, 0.03%; no homozygotes.

Submissions (2):

CeGaT Center for Human Genetics Tuebingen
Classification: Likely benign. Last evaluated: 2026-06-01. Review status: criteria provided, single submitter. Criteria: CeGaT Center For Human Genetics Tuebingen Variant Classification Criteria Version 2. Collection method: clinical testing. Allele origin: germline. Affected: yes. Observed: 1 variant allele.
Comment: PPFIA3: PP2, BS2

Ambry Genetics
Classification: Uncertain significance for Inborn genetic diseases. Last evaluated: 2025-02-01. Review status: criteria provided, single submitter. Criteria: Ambry Variant Classification Scheme 2023. Collection method: clinical testing. Allele origin: germline.